The following is an entry in ClinVar:

ClinVar aggregate classification (germline): Uncertain significance. Review status: criteria provided, multiple submitters, no conflicts (2 of 4 stars). 2 submissions from 2 submitters: Uncertain significance (2). Last evaluated 2026-07-13.

Conditions:
PLXNA1-related disorder. Also called: PLXNA1-related condition.

Allele frequency attached by ClinVar (database versions not stated): ExAC 0.00004; gnomAD 0.00005; TOPMed 0.00006.
gnomAD v4.1: 59 of 1,610,854 alleles (0.0037%); highest among the groups gnomAD compares: Non-Finnish European, 0.0047%; no homozygotes.

Submissions (2):

PreventionGenetics, part of Exact Sciences
Classification: Uncertain significance for PLXNA1-related condition. Last evaluated: 2026-07-13. Review status: criteria provided, single submitter. Criteria: ACMG Guidelines, 2015. Collection method: clinical testing. Allele origin: germline.
Comment: The PLXNA1 c.2411C>T variant is predicted to result in the amino acid substitution p.Ala804Val. To our knowledge, this variant has not been reported in the literature. This variant is reported in 0.010% of alleles in individuals of European (Non-Finnish) descent in gnomAD. At this time, the clinical significance of this variant is uncertain due to the absence of conclusive functional and genetic evidence.

Ambry Genetics
Classification: Uncertain significance. Last evaluated: 2025-08-27. Review status: criteria provided, single submitter. Criteria: Ambry Variant Classification Scheme 2023. Collection method: clinical testing. Allele origin: germline.

NM_032242.4(PLXNA1):c.2411C>T (p.Ala804Val)

Gene: PLXNA1 (plexin A1; plus strand). Cytogenetic location: 3q21.3.
Variant type: single nucleotide variant.
Coding change: c.2411C>T on transcript NM_032242.4 (MANE Select); coding-DNA position 2411, C replaced by T.
Protein change: p.Ala804Val; replaces alanine 804 with valine.
Molecular consequence: missense variant.
Genome position (GRCh38, 1-based): chr3:127,014,182, C>T. VCF-style: chr3-127014182-C-T. GRCh37 (hg19) VCF-style: chr3-126733025-C-T.
Other names: short protein forms A804V.
Identifiers: ClinVar variation 2220311 (VCV002220311.5), dbSNP rs749131665, ClinGen allele CA2593624.
Genomic context (GRCh38, chr3:127,014,182, plus strand): 5'-TGGGCGCCCCGGCGGGGTGGGCAGTGGGCGGGCCCGAGCTGACCGCACCCCTCCCCACAG[C>T]GCACCTCTACAAGTGCCCGGCCCTGCGCGAGAGCTGCGGCCTCTGCCTCAAGGCCGACCC-3'
Protein context (NP_115618.3, residues 794-814): FVIDNPQNIQ[Ala804Val]HLYKCPALRE